The following is an entry in ClinVar:

NM_181332.3(NLGN4X):c.2223C>T (p.His741=)

Gene: NLGN4X (neuroligin 4 X-linked; minus strand). Cytogenetic location: Xp22.32.
Variant type: single nucleotide variant.
Coding change: c.2223C>T on transcript NM_181332.3 (MANE Select); coding-DNA position 2223, C replaced by T.
Protein change: p.His741=; no amino-acid change (histidine 741 retained).
Molecular consequence: synonymous variant.
Genome position (GRCh38, 1-based): chrX:5,893,045, G>A on the plus strand (C>T on the coding strand, the complement: NLGN4X is on the minus strand). VCF-style: chrX-5893045-G-A. GRCh37 (hg19) VCF-style: chrX-5811086-G-A.
Other names: c.2223C>T, p.His741= (NM_001282145.2, NM_001282146.2, NM_020742.4); c.2223C>T (NM_020742.3).
Identifiers: ClinVar variation 284701 (VCV000284701.11), dbSNP rs541646409, ClinGen allele CA10340914.

ClinVar aggregate classification (germline): Benign/Likely benign. Review status: criteria provided, multiple submitters, no conflicts (2 of 4 stars). 3 submissions from 3 submitters: Benign (1); Likely benign (1). 1 of the submissions does not count toward it. Last evaluated 2015-11-25.

Conditions:
NLGN4X-related disorder. Also called: NLGN4X-related condition.
Inborn genetic diseases. Identifiers: MedGen C0950123, MeSH D030342.

Allele frequency attached by ClinVar (database versions not stated): gnomAD 0.00001 and 0.00044; TOPMed 0.00006; gnomAD exomes 0.00065 and 0.00140; ExAC 0.00154; 1000 Genomes Project 30x 0.00437; 1000 Genomes Project 0.00450.
gnomAD v4.1: 774 of 1,209,269 alleles (0.064%); highest among the groups gnomAD compares: South Asian, 1.3%; 9 homozygotes.

Submissions (3):

Eurofins Ntd Llc (ga)
Classification: Benign. Last evaluated: 2015-11-25. Review status: criteria provided, single submitter. Criteria: EGL Classification Definitions 2015. Collection method: clinical testing. Allele origin: germline. Observed: 1 variant allele, 1 hemizygote.

Ambry Genetics
Classification: Likely benign for Inborn genetic diseases. Last evaluated: 2014-11-16. Review status: criteria provided, single submitter. Criteria: Ambry Variant Classification Scheme 2023. Collection method: clinical testing. Allele origin: germline.

PreventionGenetics, part of Exact Sciences
Classification: Likely benign for NLGN4X-related condition. Last evaluated: 2023-08-03. Review status: no assertion criteria provided. Collection method: clinical testing. Allele origin: germline. Not counted in ClinVar's aggregate classification.
Comment: This variant is classified as likely benign based on ACMG/AMP sequence variant interpretation guidelines (Richards et al. 2015 PMID: 25741868, with internal and published modifications).